The following is an entry in ClinVar:

ClinVar aggregate classification (germline): Pathogenic/Likely pathogenic. Review status: criteria provided, multiple submitters, no conflicts (2 of 4 stars). 6 submissions from 6 submitters: Pathogenic (3); Likely pathogenic (2). 1 of the submissions does not count toward it. Last evaluated 2026-01-12.

Conditions:
SLC39A8-related disorder. Also called: SLC39A8-related condition.
SLC39A8-CDG. Also called: SLC39A8 deficiency; CONGENITAL DISORDER OF GLYCOSYLATION, TYPE IIn; CDG IIn. Identifiers: Orphanet 468699, MedGen C4225234, MONDO:0014746, OMIM 616721.

Allele frequency attached by ClinVar (database versions not stated): gnomAD 0.00002; gnomAD exomes 0.00003 and 0.00004; TOPMed 0.00003; ExAC 0.00013.
gnomAD v4.1: 53 of 1,555,358 alleles (0.0034%); highest among the groups gnomAD compares: Non-Finnish European, 0.0043%; no homozygotes.

Submissions (6):

Labcorp Genetics (formerly Invitae), Labcorp
Classification: Pathogenic. Last evaluated: 2026-01-12. Review status: criteria provided, single submitter. Criteria: Invitae Variant Classification Sherloc (09022015). Collection method: clinical testing. Allele origin: germline.
Comment: This sequence change replaces glycine, which is neutral and non-polar, with arginine, which is basic and polar, at codon 38 of the SLC39A8 protein (p.Gly38Arg). This variant is present in population databases (rs778210210, gnomAD 0.007%). This missense change has been observed in individuals with SLC39A8 deficiency syndrome (PMID: 2809732, 26637978, 26637979). It has also been observed to segregate with disease in related individuals. ClinVar contains an entry for this variant (Variation ID: 218895). An algorithm developed to predict the effect of missense changes on protein structure and function (PolyPhen-2) suggests that this variant is likely to be disruptive. Experimental studies have shown that this missense change affects SLC39A8 function (PMID: 29453449). For these reasons, this variant has been classified as Pathogenic.

Blueprint Genetics
Classification: Pathogenic for SLC39A8-related disorders. Last evaluated: 2024-09-04. Review status: criteria provided, single submitter. Criteria: ACMG Guidelines, 2015. Collection method: clinical testing. Allele origin: germline. Affected: yes. Observed: 5 variant alleles.

GeneDx
Classification: Pathogenic. Last evaluated: 2024-05-03. Review status: criteria provided, single submitter. Criteria: GeneDx Variant Classification Process June 2021. Collection method: clinical testing. Allele origin: germline. Affected: yes.
Comment: Published in vitro analysis demonstrates G38R fails to localize on the cell surface and is retained within the endoplasmic reticulum, resulting in mitochondrial dysfunction and oxidative stress (PMID: 29453449); In silico analysis supports that this missense variant has a deleterious effect on protein structure/function; Not observed at a significant frequency in large population cohorts (gnomAD); This variant is associated with the following publications: (PMID: 27995398, 28749473, 28940310, 26637978, 26637979, 28097321, 31980526, 33163565, 34768831, 35636252, 32852845, 29453449)

Revvity Omics, Revvity
Classification: Likely pathogenic for SLC39A8-CDG. Last evaluated: 2020-05-22. Review status: criteria provided, single submitter. Criteria: ACMG Guidelines, 2015. Collection method: clinical testing. Allele origin: germline.

Institute of Human Genetics, University of Leipzig Medical Center
Classification: Likely pathogenic for SLC39A8-CDG. Last evaluated: 2020-03-01. Review status: criteria provided, single submitter. Criteria: ACMG Guidelines, 2015. Collection method: clinical testing. Allele origin: biparental. Inheritance: Autosomal recessive inheritance. Affected: yes.
Comment: Review of the variants reported in Reuter et al., 2017, PMID: 28097321: PS3,PM2,PP3_Supporting,PP3

OMIM
Classification: Pathogenic for CONGENITAL DISORDER OF GLYCOSYLATION, TYPE IIn. Last evaluated: 2015-12-03. Review status: no assertion criteria provided. Collection method: literature only. Allele origin: germline. Not counted in ClinVar's aggregate classification.

Literature cited by the submitters: PubMed 2809732 (cited by Labcorp Genetics (formerly Invitae), Labcorp); PubMed 26637978 (cited by Labcorp Genetics (formerly Invitae), Labcorp and OMIM); PubMed 26637979 (cited by Labcorp Genetics (formerly Invitae), Labcorp and OMIM); PubMed 29453449 (cited by Labcorp Genetics (formerly Invitae), Labcorp).

NM_001135146.2(SLC39A8):c.112G>C (p.Gly38Arg)

Genes: SLC39A8 (solute carrier family 39 member 8; minus strand), LOC129992876 (ATAC-STARR-seq lymphoblastoid silent region 15595; plus strand). Cytogenetic location: 4q24.
Variant type: single nucleotide variant.
Coding change: c.112G>C on transcript NM_001135146.2 (MANE Select); coding-DNA position 112, G replaced by C.
Protein change: p.Gly38Arg; replaces glycine 38 with arginine.
Molecular consequence: missense variant.
Genome position (GRCh38, 1-based): chr4:102,344,551, C>G on the plus strand (G>C on the coding strand, the complement: SLC39A8 is on the minus strand). VCF-style: chr4-102344551-C-G. GRCh37 (hg19) VCF-style: chr4-103265708-C-G.
Other names: c.112G>C, p.Gly38Arg (NM_001135147.1, NM_022154.5); short protein forms G38R.
Identifiers: ClinVar variation 218895 (VCV000218895.16), dbSNP rs778210210, ClinGen allele CA249424.